The following is an entry in ClinVar:

ClinVar aggregate classification (germline): Uncertain significance (1 of 4 stars; one submission).

Allele frequency attached by ClinVar (database versions not stated): TOPMed 0.00003; ESP Exome Variant Server 0.00008; ExAC 0.00002; gnomAD 0.00002; gnomAD exomes 0.00002.
gnomAD v4.1: 29 of 1,611,194 alleles (0.0018%); highest among the groups gnomAD compares: African/African-American, 0.015%; no homozygotes.

Submission:

Labcorp Genetics (formerly Invitae), Labcorp
Classification: Uncertain significance. Last evaluated: 2021-12-20. Review status: criteria provided, single submitter. Criteria: Invitae Variant Classification Sherloc (09022015). Collection method: clinical testing. Allele origin: germline.
Comment: This sequence change replaces arginine, which is basic and polar, with cysteine, which is neutral and slightly polar, at codon 19 of the PARS2 protein (p.Arg19Cys). The frequency data for this variant in the population databases is considered unreliable, as metrics indicate poor data quality at this position in the gnomAD database. This variant has not been reported in the literature in individuals affected with PARS2-related conditions. Algorithms developed to predict the effect of missense changes on protein structure and function (SIFT, PolyPhen-2, Align-GVGD) all suggest that this variant is likely to be tolerated. In summary, the available evidence is currently insufficient to determine the role of this variant in disease. Therefore, it has been classified as a Variant of Uncertain Significance.

NM_152268.4(PARS2):c.55C>T (p.Arg19Cys)

Gene: PARS2 (prolyl-tRNA synthetase 2, mitochondrial; minus strand). Cytogenetic location: 1p32.3.
Variant type: single nucleotide variant.
Coding change: c.55C>T on transcript NM_152268.4 (MANE Select); coding-DNA position 55, C replaced by T.
Protein change: p.Arg19Cys; replaces arginine 19 with cysteine.
Molecular consequence: missense variant.
Genome position (GRCh38, 1-based): chr1:54,759,107, G>A on the plus strand (C>T on the coding strand, the complement: PARS2 is on the minus strand). VCF-style: chr1-54759107-G-A. GRCh37 (hg19) VCF-style: chr1-55224780-G-A.
Other names: short protein forms R19C.
Identifiers: ClinVar variation 1936161 (VCV001936161.4), dbSNP rs370064383, ClinGen allele CA869561.